The following is an entry in ClinVar:

NM_000321.3(RB1):c.2512T>C (p.Ser838Pro)

Gene: RB1 (RB transcriptional corepressor 1; plus strand). Cytogenetic location: 13q14.2.
Variant type: single nucleotide variant.
Coding change: c.2512T>C on transcript NM_000321.3 (MANE Select); coding-DNA position 2512, T replaced by C.
Protein change: p.Ser838Pro; replaces serine 838 with proline.
Molecular consequence: missense variant.
Genome position (GRCh38, 1-based): chr13:48,473,382, T>C. VCF-style: chr13-48473382-T-C. GRCh37 (hg19) VCF-style: chr13-49047518-T-C.
Other names: short protein forms S838P.
Identifiers: ClinVar variation 958238 (VCV000958238.9), dbSNP rs1949484337, ClinGen allele CA388168149.

ClinVar aggregate classification (germline): Uncertain significance (1 of 4 stars; one submission).

Conditions:
Retinoblastoma (RB1). Also called: RETINOBLASTOMA, SOMATIC. Identifiers: Orphanet 790, MedGen C0035335, MeSH D012175, MONDO:0008380, OMIM 180200, HP:0009919. Disease mechanism: loss of function. Inheritance: Both sporadic and heritable forms are tested..

Submission:

Labcorp Genetics (formerly Invitae), Labcorp
Classification: Uncertain significance for Retinoblastoma. Last evaluated: 2024-08-31. Review status: criteria provided, single submitter. Criteria: Invitae Variant Classification Sherloc (09022015). Collection method: clinical testing. Allele origin: germline.
Comment: This sequence change replaces serine, which is neutral and polar, with proline, which is neutral and non-polar, at codon 838 of the RB1 protein (p.Ser838Pro). This variant is not present in population databases (gnomAD no frequency). This variant has not been reported in the literature in individuals affected with RB1-related conditions. ClinVar contains an entry for this variant (Variation ID: 958238). Invitae Evidence Modeling of protein sequence and biophysical properties (such as structural, functional, and spatial information, amino acid conservation, physicochemical variation, residue mobility, and thermodynamic stability) indicates that this missense variant is not expected to disrupt RB1 protein function with a negative predictive value of 80%. In summary, the available evidence is currently insufficient to determine the role of this variant in disease. Therefore, it has been classified as a Variant of Uncertain Significance.